The following is an entry in ClinVar:

ClinVar aggregate classification (germline): Uncertain significance. Review status: criteria provided, multiple submitters, no conflicts (2 of 4 stars). 2 submissions from 2 submitters: Uncertain significance (2). Last evaluated 2024-10-25.

Allele frequency attached by ClinVar (database versions not stated): TOPMed 0.00001; ExAC 0.00004; gnomAD exomes 0.00004; 1000 Genomes Project 0.00020; 1000 Genomes Project 30x 0.00031.

Submissions (2):

Labcorp Genetics (formerly Invitae), Labcorp
Classification: Uncertain significance. Last evaluated: 2024-10-25. Review status: criteria provided, single submitter. Criteria: Invitae Variant Classification Sherloc (09022015). Collection method: clinical testing. Allele origin: germline.
Comment: This sequence change replaces histidine, which is basic and polar, with asparagine, which is neutral and polar, at codon 171 of the RBP3 protein (p.His171Asn). This variant is present in population databases (rs371068323, gnomAD 0.05%). This variant has not been reported in the literature in individuals affected with RBP3-related conditions. ClinVar contains an entry for this variant (Variation ID: 1525272). Invitae Evidence Modeling of protein sequence and biophysical properties (such as structural, functional, and spatial information, amino acid conservation, physicochemical variation, residue mobility, and thermodynamic stability) indicates that this missense variant is not expected to disrupt RBP3 protein function with a negative predictive value of 80%. In summary, the available evidence is currently insufficient to determine the role of this variant in disease. Therefore, it has been classified as a Variant of Uncertain Significance.

Blueprint Genetics
Classification: Uncertain significance. Last evaluated: 2021-01-28. Review status: criteria provided, single submitter. Criteria: ACMG Guidelines, 2015. Collection method: clinical testing. Allele origin: germline.

NM_002900.3(RBP3):c.511C>A (p.His171Asn)

Gene: RBP3 (retinol binding protein 3; plus strand). Cytogenetic location: 10q11.22.
Variant type: single nucleotide variant.
Coding change: c.511C>A on transcript NM_002900.3 (MANE Select); coding-DNA position 511, C replaced by A.
Protein change: p.His171Asn; replaces histidine 171 with asparagine.
Molecular consequence: missense variant.
Genome position (GRCh38, 1-based): chr10:47,348,995, C>A. VCF-style: chr10-47348995-C-A. GRCh37 (hg19) VCF-style: chr10-48390367-G-T.
Other names: short protein forms H171N.
Identifiers: ClinVar variation 1525272 (VCV001525272.6), dbSNP rs371068323, ClinGen allele CA5487768.